The following is an entry in ClinVar:

ClinVar aggregate classification (germline): Uncertain significance (1 of 4 stars; one submission).

Conditions:
Inborn genetic diseases. Identifiers: MedGen C0950123, MeSH D030342.

gnomAD v4.1: 2 of 1,613,654 alleles (0.00012%); highest among the groups gnomAD compares: Non-Finnish European, 0.00017%; no homozygotes.

Submission:

Ambry Genetics
Classification: Uncertain significance for Inborn genetic diseases. Last evaluated: 2025-02-05. Review status: criteria provided, single submitter. Criteria: Ambry Variant Classification Scheme 2023. Collection method: clinical testing. Allele origin: germline.
Comment: The p.R593K variant (also known as c.1778G>A), located in coding exon 1 of the SAMD9 gene, results from a G to A substitution at nucleotide position 1778. The arginine at codon 593 is replaced by lysine, an amino acid with highly similar properties. This amino acid position is conserved. In addition, this alteration is predicted to be tolerated by in silico analysis. Based on the available evidence, the clinical significance of this variant remains unclear.

NM_017654.4(SAMD9):c.1778G>A (p.Arg593Lys)

Gene: SAMD9 (sterile alpha motif domain containing 9; minus strand). Cytogenetic location: 7q21.2.
Variant type: single nucleotide variant.
Coding change: c.1778G>A on transcript NM_017654.4 (MANE Select); coding-DNA position 1778, G replaced by A.
Protein change: p.Arg593Lys; replaces arginine 593 with lysine.
Molecular consequence: missense variant.
Genome position (GRCh38, 1-based): chr7:93,104,320, C>T on the plus strand (G>A on the coding strand, the complement: SAMD9 is on the minus strand). VCF-style: chr7-93104320-C-T. GRCh37 (hg19) VCF-style: chr7-92733633-C-T.
Other names: c.1778G>A, p.Arg593Lys (NM_001193307.2); short protein forms R593K.
Identifiers: ClinVar variation 3792052 (VCV003792052.1).
Genomic context (GRCh38, chr7:93,104,320, plus strand): 5'-TCTTCAAGGCTTAAAGCAGAAATACATTGGCTTGAAATTTCATCTTGGTGTTTTATTAAT[C>T]TTGCTTCAAGTAGATCTTTCCATCCCTGAAATATGTGTGGGTGCACACAAATACACAGTA-3'
Protein context (NP_060124.2, residues 583-603): FQGWKDLLEA[Arg593Lys]LIKHQDEISS